The following is an entry in ClinVar:

NM_000038.6(APC):c.212_215del (p.Arg71fs)

Gene: APC (APC regulator of Wnt signaling pathway; plus strand). Cytogenetic location: 5q22.2.
Variant type: Deletion.
Coding change: c.212_215del on transcript NM_000038.6 (MANE Select); coding-DNA positions 212 to 215, 4 bases deleted (GTCT; older notation c.212_215delGTCT).
Protein change: p.Arg71fs; shifts the reading frame from arginine 71.
Molecular consequence: frameshift variant. On other transcripts: 5 prime UTR variant (4), non-coding transcript variant (2).
Genome position (GRCh38, 1-based): chr5:112,766,402-112,766,405, GTCT deleted. VCF-style (leftmost placement, unchanged base first): chr5-112766401-CGTCT-C. GRCh37 (hg19) VCF-style: chr5-112102098-CGTCT-C.
Other names: c.212_215del, p.Arg71fs (NM_001127510.3, NM_001354895.2, NM_001354896.2 and 16 more transcripts); c.242_245del, p.Arg81fs (NM_001127511.3, NM_001354897.2, NM_001354902.2 and 1 more transcripts); c.137_140del, p.Arg46fs (NM_001354898.2, NM_001354904.2, NM_001407451.1); c.35_38del, p.Arg12fs (NM_001354900.2, NM_001354901.2, NM_001354905.2 and 1 more transcripts); c.-824_-821del (NM_001354906.2, NM_001407470.1, NM_001407471.1 and 1 more transcripts); short protein forms R46fs, R71fs, R81fs, R12fs.
Identifiers: ClinVar variation 3658243 (VCV003658243.2).

ClinVar aggregate classification (germline): Pathogenic (1 of 4 stars; one submission).

Conditions:
Familial adenomatous polyposis 1 (FAP1). Also called: FAMILIAL ADENOMATOUS POLYPOSIS 1, ATTENUATED; POLYPOSIS, ADENOMATOUS INTESTINAL. Identifiers: MedGen C2713442, MONDO:0021056, OMIM 175100. Disease mechanism: loss of function.

Submission:

Labcorp Genetics (formerly Invitae), Labcorp
Classification: Pathogenic for Familial adenomatous polyposis 1. Last evaluated: 2024-07-25. Review status: criteria provided, single submitter. Criteria: Invitae Variant Classification Sherloc (09022015). Collection method: clinical testing. Allele origin: germline.
Comment: This sequence change creates a premature translational stop signal (p.Arg71Leufs*6) in the APC gene. It is expected to result in an absent or disrupted protein product. Loss-of-function variants in APC are known to be pathogenic (PMID: 17963004, 20685668). This variant is not present in population databases (gnomAD no frequency). This variant has not been reported in the literature in individuals affected with APC-related conditions. For these reasons, this variant has been classified as Pathogenic.

Literature cited by the submitters: PubMed 17963004; PubMed 20685668.